The following is an entry in ClinVar:

NM_001127649.3(PEX26):c.904C>T (p.Arg302Cys)

Gene: PEX26 (peroxisomal biogenesis factor 26; plus strand). Cytogenetic location: 22q11.21.
Variant type: single nucleotide variant.
Coding change: c.904C>T on transcript NM_001127649.3 (MANE Select); coding-DNA position 904, C replaced by T.
Protein change: p.Arg302Cys; replaces arginine 302 with cysteine.
Molecular consequence: missense variant.
Genome position (GRCh38, 1-based): chr22:18,088,061, C>T. VCF-style: chr22-18088061-C-T. GRCh37 (hg19) VCF-style: chr22-18570827-C-T.
Other names: c.757C>T, p.Arg253Cys (NM_001199319.2); c.904C>T, p.Arg302Cys (NM_017929.6); short protein forms R302C, R253C.
Identifiers: ClinVar variation 1362474 (VCV001362474.3), dbSNP rs539155271, ClinGen allele CA10093448.
Genomic context (GRCh38, chr22:18,088,061, plus strand): 5'-AAGCTGGCCCAGCTCTTCCGCTGGATCCGGAAGGCTGCATTTTCTCGCCTCTACCAGCTC[C>T]GCATCCGTGACTGAGGGTCCCTGCGCACCACAGCCTCTCTGCTCCTCACGTCCGTGGCCA-3'
Protein context (NP_001121121.1, residues 292-305): KAAFSRLYQL[Arg302Cys]IRD

ClinVar aggregate classification (germline): Uncertain significance (1 of 4 stars; one submission).

Conditions:
Peroxisome biogenesis disorder 7B (PBD7B). Identifiers: Orphanet 44, MedGen C3553951, MONDO:0013939, OMIM 614873.
Peroxisome biogenesis disorder 7A (Zellweger). Also called: Peroxisome biogenesis disorder 7A. Identifiers: Orphanet 912, MedGen C3888385, MONDO:0013938, OMIM 614872.

Allele frequency attached by ClinVar (database versions not stated): TOPMed 0.00003; gnomAD 0.00006 and 0.00007; 1000 Genomes Project 0.00020; 1000 Genomes Project 30x 0.00031.
gnomAD v4.1: 28 of 1,610,346 alleles (0.0017%); highest among the groups gnomAD compares: African/African-American, 0.021%; no homozygotes.

Submission:

Labcorp Genetics (formerly Invitae), Labcorp
Classification: Uncertain significance for Peroxisome biogenesis disorder 7A (Zellweger); Peroxisome biogenesis disorder 7B. Last evaluated: 2022-07-05. Review status: criteria provided, single submitter. Criteria: Invitae Variant Classification Sherloc (09022015). Collection method: clinical testing. Allele origin: germline.
Comment: This sequence change replaces arginine, which is basic and polar, with cysteine, which is neutral and slightly polar, at codon 302 of the PEX26 protein (p.Arg302Cys). This variant is present in population databases (rs539155271, gnomAD 0.02%). This variant has not been reported in the literature in individuals affected with PEX26-related conditions. ClinVar contains an entry for this variant (Variation ID: 1362474). Algorithms developed to predict the effect of missense changes on protein structure and function are either unavailable or do not agree on the potential impact of this missense change (SIFT: "Tolerated"; PolyPhen-2: "Possibly Damaging"; Align-GVGD: "Class C0"). In summary, the available evidence is currently insufficient to determine the role of this variant in disease. Therefore, it has been classified as a Variant of Uncertain Significance.